The following is an entry in ClinVar:

NM_003611.3(OFD1):c.935+628T>C

Gene: OFD1 (OFD1 centriole and centriolar satellite protein; plus strand). Cytogenetic location: Xp22.2.
Variant type: single nucleotide variant.
Coding change: c.935+628T>C on transcript NM_003611.3 (MANE Select); 628 bases into the intron after coding-DNA position 935, T replaced by C.
Molecular consequence: intron variant.
Genome position (GRCh38, 1-based): chrX:13,750,161, T>C. VCF-style: chrX-13750161-T-C. GRCh37 (hg19) VCF-style: chrX-13768280-T-C.
Other names: c.935+628T>C (NM_001330209.2); c.515+628T>C (NM_001330210.2).
Identifiers: ClinVar variation 2571355 (VCV002571355.27), dbSNP rs149515001, ClinGen allele CA326116422.
Genomic context (GRCh38, chrX:13,750,161, plus strand): 5'-CCATAGATACTCCAGGAATCTTAGTTCATTAAAGAATTTGGCTCCATTAATGTTTTTTTC[T>C]CACTTCTATAGGCTTGATTTGTTTGATTTCAACTCTCTGTCTACCTTACTCTCTTTTTGG-3'

ClinVar aggregate classification (germline): Likely benign (1 of 4 stars; one submission).

Allele frequency attached by ClinVar (database versions not stated): 1000 Genomes Project 0.00079; 1000 Genomes Project 30x 0.00083; gnomAD 0.00114; TOPMed 0.00115.
gnomAD v4.1: 127 of 112,161 alleles (0.11%); highest among the groups gnomAD compares: Non-Finnish European, 0.19%; no homozygotes.

Submission:

CeGaT Center for Human Genetics Tuebingen
Classification: Likely benign. Last evaluated: 2025-01-01. Review status: criteria provided, single submitter. Criteria: CeGaT Center For Human Genetics Tuebingen Variant Classification Criteria Version 2. Collection method: clinical testing. Allele origin: germline. Affected: yes. Observed: 8 variant alleles.
Comment: OFD1: BS2